The following is an entry in ClinVar:

ClinVar aggregate classification (germline): Uncertain significance (1 of 4 stars; one submission).

Allele frequency attached by ClinVar (database versions not stated): gnomAD exomes below 0.00001; gnomAD 0.00003; TOPMed 0.00003.
gnomAD v4.1: 7 of 1,613,844 alleles (0.00043%); highest among the groups gnomAD compares: African/African-American, 0.0093%; no homozygotes.

Submission:

Labcorp Genetics (formerly Invitae), Labcorp
Classification: Uncertain significance. Last evaluated: 2024-04-25. Review status: criteria provided, single submitter. Criteria: Invitae Variant Classification Sherloc (09022015). Collection method: clinical testing. Allele origin: germline.
Comment: This sequence change replaces tyrosine, which is neutral and polar, with histidine, which is basic and polar, at codon 873 of the DNA2 protein (p.Tyr873His). This variant is present in population databases (no rsID available, gnomAD 0.007%). This variant has not been reported in the literature in individuals affected with DNA2-related conditions. Algorithms developed to predict the effect of missense changes on protein structure and function output the following: SIFT: "Not Available"; PolyPhen-2: "Benign"; Align-GVGD: "Not Available". The histidine amino acid residue is found in multiple mammalian species, which suggests that this missense change does not adversely affect protein function. In summary, the available evidence is currently insufficient to determine the role of this variant in disease. Therefore, it has been classified as a Variant of Uncertain Significance.

NM_001080449.3(DNA2):c.2617T>C (p.Tyr873His)

Gene: DNA2 (DNA replication helicase/nuclease 2; minus strand). Cytogenetic location: 10q21.3.
Variant type: single nucleotide variant.
Coding change: c.2617T>C on transcript NM_001080449.3 (MANE Select); coding-DNA position 2617, T replaced by C.
Protein change: p.Tyr873His; replaces tyrosine 873 with histidine.
Molecular consequence: missense variant. On other transcripts: non-coding transcript variant (1).
Genome position (GRCh38, 1-based): chr10:68,422,305, A>G on the plus strand (T>C on the coding strand, the complement: DNA2 is on the minus strand). VCF-style: chr10-68422305-A-G. GRCh37 (hg19) VCF-style: chr10-70182062-A-G.
Other names: short protein forms Y873H.
Identifiers: ClinVar variation 2886482 (VCV002886482.3), dbSNP rs906389498, ClinGen allele CA208194105.